The following is an entry in ClinVar:

NM_020366.4(RPGRIP1):c.2554C>T (p.Arg852Ter)

Gene: RPGRIP1 (RPGR interacting protein 1; plus strand). Cytogenetic location: 14q11.2.
Variant type: single nucleotide variant.
Coding change: c.2554C>T on transcript NM_020366.4 (MANE Select); coding-DNA position 2554, C replaced by T.
Protein change: p.Arg852Ter; replaces arginine 852 with a stop codon.
Molecular consequence: nonsense. On other transcripts: intron variant (4).
Genome position (GRCh38, 1-based): chr14:21,326,017, C>T. VCF-style: chr14-21326017-C-T. GRCh37 (hg19) VCF-style: chr14-21794176-C-T.
Other names: c.1480C>T, p.Arg494Ter (NM_001377948.1); c.796+1292C>T (NM_001377949.1); c.689-1606C>T (NM_001377523.1, NM_001377950.1); c.191-1606C>T (NM_001377951.1); short protein forms R852*, R494*.
Identifiers: ClinVar variation 501219 (VCV000501219.25), dbSNP rs1429786931, ClinGen allele CA388869332.

ClinVar aggregate classification (germline): Pathogenic. Review status: criteria provided, multiple submitters, no conflicts (2 of 4 stars). 13 submissions from 12 submitters: Pathogenic (10). 3 of the submissions do not count toward it. Last evaluated 2026-08-12.

Conditions:
RPGRIP1-related disorder. Also called: RPGRIP1-related condition.
Retinal dystrophy. Also called: Inherited retinal dystrophy. Identifiers: Orphanet 71862, MedGen C0854723, MeSH D058499, MONDO:0019118, HP:0000556.
Leber congenital amaurosis 6 (LCA6). Identifiers: Orphanet 65, MedGen C1854260, MONDO:0013446, OMIM 613826.
Cone-rod dystrophy 13 (CORD13). Identifiers: Orphanet 1872, MedGen C2750720, MONDO:0011987, OMIM 608194.

Allele frequency attached by ClinVar (database versions not stated): gnomAD exomes below 0.00001 and 0.00001; gnomAD 0.00001; TOPMed 0.00002.
gnomAD v4.1: 20 of 1,613,872 alleles (0.0012%); highest among the groups gnomAD compares: South Asian, 0.0011%; no homozygotes.

Submissions (13):

PreventionGenetics, part of Exact Sciences
Classification: Pathogenic for RPGRIP1-related condition. Last evaluated: 2026-08-12. Review status: criteria provided, single submitter. Criteria: ACMG Guidelines, 2015. Collection method: clinical testing. Allele origin: germline.
Comment: The RPGRIP1 c.2554C>T variant is predicted to result in premature protein termination (p.Arg852*). This variant has been reported in the presumed compound heterozygous state in individuals with Leber congenital amaurosis (Hanein et al. 2004. PubMed ID: 15024725; Table S3, Li et al. 2023. PubMed ID: 36729443; Matczyńska et al. 2024. PubMed ID: 38927562). This variant is present in 0.0016% of alleles in individuals of European (non-Finnish) descent in gnomAD. Nonsense variants in RPGRIP1 are an established mechanism of disease. This variant is interpreted as pathogenic.

First Genomix Gene Laboratory, Genetic Diagnostics Department
Classification: Pathogenic for Cone-rod dystrophy 13; Leber congenital amaurosis 6. Last evaluated: 2025-06-19. Review status: criteria provided, single submitter. Criteria: ACMG Guidelines, 2015. Collection method: clinical testing. Allele origin: germline. Inheritance: Autosomal recessive inheritance. Affected: no.

Labcorp Genetics (formerly Invitae), Labcorp
Classification: Pathogenic for Leber congenital amaurosis 6; Cone-rod dystrophy 13. Last evaluated: 2025-06-04. Review status: criteria provided, single submitter. Criteria: Invitae Variant Classification Sherloc (09022015). Collection method: clinical testing. Allele origin: germline.
Comment: This sequence change creates a premature translational stop signal (p.Arg852*) in the RPGRIP1 gene. It is expected to result in an absent or disrupted protein product. Loss-of-function variants in RPGRIP1 are known to be pathogenic (PMID: 11528500, 23105016). This variant is present in population databases (no rsID available, gnomAD 0.002%). This premature translational stop signal has been observed in individual(s) with Leber congenital amaurosis (PMID: 15024725). ClinVar contains an entry for this variant (Variation ID: 501219). Algorithms developed to predict the effect of sequence changes on RNA splicing suggest that this variant may disrupt the consensus splice site. For these reasons, this variant has been classified as Pathogenic.

GeneDx
Classification: Pathogenic. Last evaluated: 2024-06-09. Review status: criteria provided, single submitter. Criteria: GeneDx Variant Classification Process June 2021. Collection method: clinical testing. Allele origin: germline. Affected: yes.
Comment: Previously reported in an individual with leber congenital amaurosis (LCA), who harbored a second RPGRIP1 variant; however segregation information was not provided (PMID: 15024725); Nonsense variant predicted to result in protein truncation or nonsense mediated decay in a gene for which loss of function is a known mechanism of disease; Not observed at significant frequency in large population cohorts (gnomAD); This variant is associated with the following publications: (PMID: 25525159, 34426522, 23105016, 11528500, 15024725)

Blueprint Genetics
Classification: Pathogenic for RPGRIP1-related disorders. Last evaluated: 2023-09-15. Review status: criteria provided, single submitter. Criteria: ACMG Guidelines, 2015. Collection method: clinical testing. Allele origin: germline. Affected: yes. Observed: 5 variant alleles.

Fulgent Genetics
Classification: Pathogenic for Cone-rod dystrophy 13; Leber congenital amaurosis 6. Last evaluated: 2022-05-10. Review status: criteria provided, single submitter. Criteria: ACMG Guidelines, 2015. Collection method: clinical testing. Allele origin: unknown.

Genome-Nilou Lab
Classification: Pathogenic for Leber congenital amaurosis 6. Last evaluated: 2021-11-07. Review status: criteria provided, single submitter. Criteria: ACMG Guidelines, 2015. Collection method: clinical testing. Allele origin: germline. Affected: no.

Genome-Nilou Lab
Classification: Pathogenic for Cone-rod dystrophy 13. Last evaluated: 2021-11-07. Review status: criteria provided, single submitter. Criteria: ACMG Guidelines, 2015. Collection method: clinical testing. Allele origin: germline. Affected: no.

Eurofins Ntd Llc (ga)
Classification: Pathogenic. Last evaluated: 2017-04-03. Review status: criteria provided, single submitter. Criteria: EGL Classification Definitions 2015. Collection method: clinical testing. Allele origin: germline. Observed: 1 variant allele, 1 heterozygote.

Institute of Human Genetics, Univ. Regensburg, Univ. Regensburg
Classification: Pathogenic for Retinal dystrophy. Last evaluated: 2012-01-01. Review status: criteria provided, single submitter. Criteria: ACMG Guidelines, 2015. Collection method: clinical testing. Allele origin: germline. Affected: yes.

Clinical Genetics, Academic Medical Center
Classification: Pathogenic. Review status: no assertion criteria provided. Collection method: clinical testing. Allele origin: germline. Affected: yes. Study: VKGL Data-share Consensus. Not counted in ClinVar's aggregate classification.

Joint Genome Diagnostic Labs from Nijmegen and Maastricht, Radboudumc and MUMC+
Classification: Pathogenic. Review status: no assertion criteria provided. Collection method: clinical testing. Allele origin: germline. Affected: yes. Study: VKGL Data-share Consensus. Not counted in ClinVar's aggregate classification.

Laboratory of Genetics in Ophthalmology, Institut Imagine
Classification: Pathogenic for Leber congenital amaurosis 6. Review status: no assertion criteria provided. Collection method: research. Allele origin: inherited. Affected: yes. Observed: 1 variant allele. Not counted in ClinVar's aggregate classification.

Literature cited by the submitters: PubMed 11528500 (cited by Labcorp Genetics (formerly Invitae), Labcorp); PubMed 23105016 (cited by Labcorp Genetics (formerly Invitae), Labcorp); PubMed 15024725 (cited by 3 submitters); PubMed 25525159 (cited by Institute of Human Genetics, Univ. Regensburg, Univ. Regensburg); PubMed 31964843 (cited by Institute of Human Genetics, Univ. Regensburg, Univ. Regensburg); PubMed 34426522 (cited by Institute of Human Genetics, Univ. Regensburg, Univ. Regensburg).